The following is an entry in ClinVar:

ClinVar aggregate classification (germline): Likely benign (1 of 4 stars; one submission).

gnomAD v4.1: 40 of 1,612,976 alleles (0.0025%); highest among the groups gnomAD compares: African/African-American, 0.0067%; no homozygotes.

Submission:

CeGaT Center for Human Genetics Tuebingen
Classification: Likely benign. Last evaluated: 2025-10-01. Review status: criteria provided, single submitter. Criteria: CeGaT Center For Human Genetics Tuebingen Variant Classification Criteria Version 2. Collection method: clinical testing. Allele origin: germline. Affected: yes. Observed: 1 variant allele.
Comment: CLIP2: BP4, BP7

NM_003388.5(CLIP2):c.3000G>A (p.Ala1000=)

Gene: CLIP2 (CAP-Gly domain containing linker protein 2; plus strand). Cytogenetic location: 7q11.23.
Variant type: single nucleotide variant.
Coding change: c.3000G>A on transcript NM_003388.5 (MANE Select); coding-DNA position 3000, G replaced by A.
Protein change: p.Ala1000=; no amino-acid change (alanine 1000 retained).
Molecular consequence: synonymous variant.
Genome position (GRCh38, 1-based): chr7:74,400,489, G>A. VCF-style: chr7-74400489-G-A. GRCh37 (hg19) VCF-style: chr7-73814819-G-A.
Other names: c.2895G>A, p.Ala965= (NM_032421.3).
Identifiers: ClinVar variation 4533948 (VCV004533948.6).